The following is an entry in ClinVar:

ClinVar aggregate classification (germline): Uncertain significance (1 of 4 stars; one submission).

Conditions:
Aicardi-Goutieres syndrome 5. Identifiers: Orphanet 51, MedGen C2749659, MONDO:0013059, OMIM 612952.

Allele frequency attached by ClinVar (database versions not stated): gnomAD exomes below 0.00001.
gnomAD v4.1: 1 of 1,614,006 alleles (0.000062%); highest among the groups gnomAD compares: Non-Finnish European, 0.000085%; no homozygotes.

Submission:

Labcorp Genetics (formerly Invitae), Labcorp
Classification: Uncertain significance for Aicardi-Goutieres syndrome 5. Last evaluated: 2021-05-14. Review status: criteria provided, single submitter. Criteria: Invitae Variant Classification Sherloc (09022015). Collection method: clinical testing. Allele origin: germline.
Comment: This sequence change replaces serine with glycine at codon 295 of the SAMHD1 protein (p.Ser295Gly). The serine residue is highly conserved and there is a small physicochemical difference between serine and glycine. This variant is not present in population databases (ExAC no frequency). This variant has not been reported in the literature in individuals with SAMHD1-related conditions. Algorithms developed to predict the effect of missense changes on protein structure and function output the following: SIFT: "Deleterious"; PolyPhen-2: "Benign"; Align-GVGD: "Class C0". The glycine amino acid residue is found in multiple mammalian species, suggesting that this missense change does not adversely affect protein function. These predictions have not been confirmed by published functional studies and their clinical significance is uncertain. In summary, the available evidence is currently insufficient to determine the role of this variant in disease. Therefore, it has been classified as a Variant of Uncertain Significance.

NM_015474.4(SAMHD1):c.883A>G (p.Ser295Gly)

Gene: SAMHD1 (SAM and HD domain containing deoxynucleoside triphosphate triphosphohydrolase 1; minus strand). Cytogenetic location: 20q11.23.
Variant type: single nucleotide variant.
Coding change: c.883A>G on transcript NM_015474.4 (MANE Select); coding-DNA position 883, A replaced by G.
Protein change: p.Ser295Gly; replaces serine 295 with glycine.
Molecular consequence: missense variant.
Genome position (GRCh38, 1-based): chr20:36,917,019, T>C on the plus strand (A>G on the coding strand, the complement: SAMHD1 is on the minus strand). VCF-style: chr20-36917019-T-C. GRCh37 (hg19) VCF-style: chr20-35545422-T-C.
Other names: c.883A>G, p.Ser295Gly (NM_001363729.2, NM_001363733.2); short protein forms S295G.
Identifiers: ClinVar variation 1475818 (VCV001475818.8), dbSNP rs2146117130, ClinGen allele CA408845660.